The following is an entry in ClinVar:

ClinVar aggregate classification (germline): Uncertain significance (1 of 4 stars; one submission).

Conditions:
Menkes kinky-hair syndrome (MNK). Also called: Classic Menkes Disease; Copper transport disease; Menkes Disease. Identifiers: Orphanet 565, MedGen C0022716, MONDO:0010651, OMIM 309400.
X-linked distal spinal muscular atrophy type 3. Also called: NEURONOPATHY, DISTAL HEREDITARY MOTOR, X-LINKED; NEUROPATHY, DISTAL HEREDITARY MOTOR, X-LINKED; ATP7A-Related Distal Motor Neuropathy; SPINAL MUSCULAR ATROPHY, DISTAL, X-LINKED RECESSIVE. Identifiers: Orphanet 139557, MedGen C1845359, MONDO:0010338, OMIM 300489.
Cutis laxa, X-linked (OHS). Also called: EDS IX; Occipital horn syndrome. Identifiers: Orphanet 198, MedGen C0268353, MONDO:0010572, OMIM 304150.

Submission:

Labcorp Genetics (formerly Invitae), Labcorp
Classification: Uncertain significance for X-linked distal spinal muscular atrophy type 3; Cutis laxa, X-linked; Menkes kinky-hair syndrome. Last evaluated: 2025-03-31. Review status: criteria provided, single submitter. Criteria: Invitae Variant Classification Sherloc (09022015). Collection method: clinical testing. Allele origin: germline.
Comment: This sequence change replaces glycine, which is neutral and non-polar, with serine, which is neutral and polar, at codon 1116 of the ATP7A protein (p.Gly1116Ser). This variant is not present in population databases (gnomAD no frequency). This variant has not been reported in the literature in individuals affected with ATP7A-related conditions. ClinVar contains an entry for this variant (Variation ID: 1509515). Invitae Evidence Modeling of protein sequence and biophysical properties (such as structural, functional, and spatial information, amino acid conservation, physicochemical variation, residue mobility, and thermodynamic stability) indicates that this missense variant is expected to disrupt ATP7A protein function with a positive predictive value of 95%. In summary, the available evidence is currently insufficient to determine the role of this variant in disease. Therefore, it has been classified as a Variant of Uncertain Significance.

NM_000052.7(ATP7A):c.3346G>A (p.Gly1116Ser)

Gene: ATP7A (ATPase copper transporting alpha; plus strand). Cytogenetic location: Xq21.1.
Variant type: single nucleotide variant.
Coding change: c.3346G>A on transcript NM_000052.7 (MANE Select); coding-DNA position 3346, G replaced by A.
Protein change: p.Gly1116Ser; replaces glycine 1116 with serine.
Molecular consequence: missense variant. On other transcripts: non-coding transcript variant (1).
Genome position (GRCh38, 1-based): chrX:78,033,656, G>A. VCF-style: chrX-78033656-G-A. GRCh37 (hg19) VCF-style: chrX-77289154-G-A.
Other names: c.3112G>A, p.Gly1038Ser (NM_001282224.2); short protein forms G1038S, G1116S.
Identifiers: ClinVar variation 1509515 (VCV001509515.6), dbSNP rs2149107164, ClinGen allele CA413603951.
Genomic context (GRCh38, chrX:78,033,656, plus strand): 5'-GTTTGTTAGGAGCTGGACACTGAAACCTTGGGTACCTGCATAGATTTCCAGGTTGTGCCA[G>A]GCTGTGGTATTAGCTGTAAAGTCACCAATATTGAAGGCTTGCTACATAAGAATAACTGGA-3'
Protein context (NP_000043.4, residues 1106-1126): GTCIDFQVVP[Gly1116Ser]CGISCKVTNI